The following is an entry in ClinVar:

NM_004100.5(EYA4):c.1087C>G (p.Pro363Ala)

Gene: EYA4 (EYA transcriptional coactivator and phosphatase 4; plus strand). Cytogenetic location: 6q23.2.
Variant type: single nucleotide variant.
Coding change: c.1087C>G on transcript NM_004100.5 (MANE Select); coding-DNA position 1087, C replaced by G.
Protein change: p.Pro363Ala; replaces proline 363 with alanine.
Molecular consequence: missense variant.
Genome position (GRCh38, 1-based): chr6:133,481,579, C>G. VCF-style: chr6-133481579-C-G. GRCh37 (hg19) VCF-style: chr6-133802717-C-G.
Other names: c.925C>G, p.Pro309Ala (NM_001301012.2); c.1105C>G, p.Pro369Ala (NM_001301013.2); c.1018C>G, p.Pro340Ala (NM_001370458.1, NM_172103.4); c.943C>G, p.Pro315Ala (NM_001370459.1); c.1087C>G, p.Pro363Ala (NM_172105.4); short protein forms P309A, P315A, P363A, P340A, P369A.
Identifiers: ClinVar variation 4614157 (VCV004614157.1).

ClinVar aggregate classification (germline): Uncertain significance (1 of 4 stars; one submission).

Conditions:
Cardiovascular phenotype. Identifiers: MedGen CN230736.

gnomAD v4.1: 1 of 1,614,004 alleles (0.000062%); highest among the groups gnomAD compares: Non-Finnish European, 0.000085%; no homozygotes.

Submission:

Ambry Genetics
Classification: Uncertain significance for Cardiovascular phenotype. Last evaluated: 2025-09-17. Review status: criteria provided, single submitter. Criteria: Ambry Variant Classification Scheme 2023. Collection method: clinical testing. Allele origin: germline.
Comment: The p.P363A variant (also known as c.1087C>G), located in coding exon 11 of the EYA4 gene, results from a C to G substitution at nucleotide position 1087. The proline at codon 363 is replaced by alanine, an amino acid with highly similar properties. This amino acid position is conserved. In addition, this alteration is predicted to be tolerated by in silico analysis. Based on the available evidence, the clinical significance of this variant remains unclear.